The following is an entry in ClinVar:

ClinVar aggregate classification (germline): Uncertain significance. Review status: criteria provided, single submitter (1 of 4 stars). 2 submissions from 2 submitters: Uncertain significance (1). 1 of the submissions does not count toward it. Last evaluated 2025-12-08.

Conditions:
Dilated cardiomyopathy 1J (CMD1J). Also called: CARDIOMYOPATHY, DILATED, WITH SENSORINEURAL HEARING LOSS, AUTOSOMAL DOMINANT. Identifiers: Orphanet 217622, MedGen C1854368, MONDO:0011541, OMIM 605362.
EYA4-related disorder. Also called: EYA4-related condition; EYA4-related disorders. Identifiers: MedGen CN239388.

Allele frequency attached by ClinVar (database versions not stated): gnomAD 0.00001; TOPMed 0.00001; gnomAD exomes below 0.00001; ExAC 0.00001.
gnomAD v4.1: 7 of 1,607,548 alleles (0.00044%); highest among the groups gnomAD compares: Non-Finnish European, 0.00051%; no homozygotes.

Submissions (2):

Labcorp Genetics (formerly Invitae), Labcorp
Classification: Uncertain significance for Dilated cardiomyopathy 1J. Last evaluated: 2025-12-08. Review status: criteria provided, single submitter. Criteria: Invitae Variant Classification Sherloc (09022015). Collection method: clinical testing. Allele origin: germline.
Comment: This sequence change falls in intron 14 of the EYA4 gene. It does not directly change the encoded amino acid sequence of the EYA4 protein. It affects a nucleotide within the consensus splice site. This variant is present in population databases (rs769870399, gnomAD 0.0009%). This variant has not been reported in the literature in individuals affected with EYA4-related conditions. ClinVar contains an entry for this variant (Variation ID: 843527). Variants that disrupt the consensus splice site are a relatively common cause of aberrant splicing (PMID: 17576681, 9536098). Algorithms developed to predict the effect of sequence changes on RNA splicing suggest that this variant is not likely to affect RNA splicing. In summary, the available evidence is currently insufficient to determine the role of this variant in disease. Therefore, it has been classified as a Variant of Uncertain Significance.

PreventionGenetics, part of Exact Sciences
Classification: Likely benign for EYA4-related condition. Last evaluated: 2021-02-16. Review status: no assertion criteria provided. Collection method: clinical testing. Allele origin: germline. Not counted in ClinVar's aggregate classification.
Comment: This variant is classified as likely benign based on ACMG/AMP sequence variant interpretation guidelines (Richards et al. 2015 PMID: 25741868, with internal and published modifications).

Literature cited by the submitters: PubMed 17576681 (cited by Labcorp Genetics (formerly Invitae), Labcorp); PubMed 9536098 (cited by Labcorp Genetics (formerly Invitae), Labcorp).

NM_004100.5(EYA4):c.1282-3C>T

Genes: EYA4 (EYA transcriptional coactivator and phosphatase 4; plus strand), TARID (TCF21 antisense RNA inducing promoter demethylation; minus strand). Cytogenetic location: 6q23.2.
Variant type: single nucleotide variant.
Coding change: c.1282-3C>T on transcript NM_004100.5 (MANE Select); 3 bases into the intron before coding-DNA position 1282, C replaced by T.
Molecular consequence: intron variant.
Genome position (GRCh38, 1-based): chr6:133,512,718, C>T. VCF-style: chr6-133512718-C-T. GRCh37 (hg19) VCF-style: chr6-133833856-C-T.
Other names: c.1300-3C>T (NM_001301013.2); c.1282-3C>T (NM_172105.4); c.1213-3C>T (NM_001370458.1, NM_172103.4); c.1138-3C>T (NM_001370459.1); c.1120-3C>T (NM_001301012.2).
Identifiers: ClinVar variation 843527 (VCV000843527.11), dbSNP rs769870399, ClinGen allele CA4008326.
Genomic context (GRCh38, chr6:133,512,718, plus strand): 5'-ACCTTCAAGCATGGTAACAAGCATCATTTAGAAAACAAATAACTTTTCCAATGTTTTTAA[C>T]AGGAGTGTGATCAAGTTCATATAGATGATGTTTCCTCTGATGATAATGGGCAGGACTTAA-3'